The following is an entry in ClinVar:

ClinVar aggregate classification (germline): Pathogenic. Review status: criteria provided, multiple submitters, no conflicts (2 of 4 stars). 3 submissions from 3 submitters: Pathogenic (3). Last evaluated 2023-11-13.

Conditions:
PDE6B-related disorder. Also called: PDE6B-related disease; PDE6B-related condition; PDE6B-related disorders.

Allele frequency attached by ClinVar (database versions not stated): gnomAD exomes below 0.00001 and 0.00003; ExAC 0.00001; gnomAD 0.00001; TOPMed 0.00001.
gnomAD v4.1: 39 of 1,613,174 alleles (0.0024%); highest among the groups gnomAD compares: Non-Finnish European, 0.0032%; no homozygotes.

Submissions (3):

GeneDx
Classification: Pathogenic. Last evaluated: 2023-11-13. Review status: criteria provided, single submitter. Criteria: GeneDx Variant Classification Process June 2021. Collection method: clinical testing. Allele origin: germline. Affected: yes.
Comment: Nonsense variant predicted to result in protein truncation or nonsense mediated decay in a gene for which loss of function is a known mechanism of disease; Not observed at significant frequency in large population cohorts (gnomAD); This variant is associated with the following publications: (PMID: 31964843, 30998820)

Labcorp Genetics (formerly Invitae), Labcorp
Classification: Pathogenic. Last evaluated: 2023-07-19. Review status: criteria provided, single submitter. Criteria: Invitae Variant Classification Sherloc (09022015). Collection method: clinical testing. Allele origin: germline.
Comment: For these reasons, this variant has been classified as Pathogenic. This sequence change creates a premature translational stop signal (p.Glu61*) in the PDE6B gene. It is expected to result in an absent or disrupted protein product. Loss-of-function variants in PDE6B are known to be pathogenic (PMID: 8394174, 8595886, 22334370). This variant is present in population databases (rs767438881, gnomAD 0.0009%). This premature translational stop signal has been observed in individual(s) with clinical features of rod-cone dystrophy (PMID: 30998820). ClinVar contains an entry for this variant (Variation ID: 866759).

Blueprint Genetics
Classification: Pathogenic for PDE6B-related disorders. Last evaluated: 2022-12-30. Review status: criteria provided, single submitter. Criteria: ACMG Guidelines, 2015. Collection method: clinical testing. Allele origin: germline. Affected: yes. Observed: 3 variant alleles.

Literature cited by the submitters: PubMed 8394174 (cited by Labcorp Genetics (formerly Invitae), Labcorp); PubMed 8595886 (cited by Labcorp Genetics (formerly Invitae), Labcorp); PubMed 22334370 (cited by Labcorp Genetics (formerly Invitae), Labcorp); PubMed 30998820 (cited by Labcorp Genetics (formerly Invitae), Labcorp).

NM_000283.4(PDE6B):c.181G>T (p.Glu61Ter)

Gene: PDE6B (phosphodiesterase 6B; plus strand). Cytogenetic location: 4p16.3.
Variant type: single nucleotide variant.
Coding change: c.181G>T on transcript NM_000283.4 (MANE Select); coding-DNA position 181, G replaced by T.
Protein change: p.Glu61Ter; replaces glutamic acid 61 with a stop codon.
Molecular consequence: nonsense.
Genome position (GRCh38, 1-based): chr4:625,807, G>T. VCF-style: chr4-625807-G-T. GRCh37 (hg19) VCF-style: chr4-619596-G-T.
Other names: c.181G>T, p.Glu61Ter (NM_001145291.2); short protein forms E61*.
Identifiers: ClinVar variation 866759 (VCV000866759.10), dbSNP rs767438881, ClinGen allele CA2793865.